The following is an entry in ClinVar:

ClinVar aggregate classification (germline): Conflicting classifications of pathogenicity. Review status: criteria provided, conflicting classifications (1 of 4 stars). 2 submissions from 2 submitters: Uncertain significance (1); Likely benign (1). Last evaluated 2024-12-01.

gnomAD v4.1: 171 of 1,537,128 alleles (0.011%); highest among the groups gnomAD compares: African/African-American, 0.21%; no homozygotes.

Submissions (2):

CeGaT Center for Human Genetics Tuebingen
Classification: Likely benign. Last evaluated: 2024-12-01. Review status: criteria provided, single submitter. Criteria: CeGaT Center For Human Genetics Tuebingen Variant Classification Criteria Version 2. Collection method: clinical testing. Allele origin: germline. Affected: yes. Observed: 1 variant allele.
Comment: STARD9: BP4

Ambry Genetics
Classification: Uncertain significance. Last evaluated: 2024-11-28. Review status: criteria provided, single submitter. Criteria: Ambry Variant Classification Scheme 2023. Collection method: clinical testing. Allele origin: germline.

NM_020759.3(STARD9):c.2954A>G (p.His985Arg)

Gene: STARD9 (StAR related lipid transfer domain containing 9; plus strand). Cytogenetic location: 15q15.2.
Variant type: single nucleotide variant.
Coding change: c.2954A>G on transcript NM_020759.3 (MANE Select); coding-DNA position 2954, A replaced by G.
Protein change: p.His985Arg; replaces histidine 985 with arginine.
Molecular consequence: missense variant.
Genome position (GRCh38, 1-based): chr15:42,684,532, A>G. VCF-style: chr15-42684532-A-G. GRCh37 (hg19) VCF-style: chr15-42976730-A-G.
Other names: c.2954A>G (NM_020759.2); short protein forms H985R.
Identifiers: ClinVar variation 3388886 (VCV003388886.15).